The following is an entry in ClinVar:

ClinVar aggregate classification (germline): Uncertain significance. Review status: criteria provided, multiple submitters, no conflicts (2 of 4 stars). 9 submissions from 9 submitters: Uncertain significance (7). 2 of the submissions do not count toward it. Last evaluated 2026-02-04.

Conditions:
ATM-related disorder. Also called: ATM-related disorders; ATM-related condition.
Hereditary cancer-predisposing syndrome. Also called: Neoplastic Syndromes, Hereditary; Hereditary Cancer Syndrome; Tumor predisposition; Hereditary neoplastic syndrome. Identifiers: Orphanet 140162, MedGen C0027672, MeSH D009386, MONDO:0015356.
Familial cancer of breast. Also called: Hereditary breast cancer; BREAST CANCER, FAMILIAL; hereditary breast carcinoma. Identifiers: Orphanet 227535, MedGen C0346153, MONDO:0016419, OMIM 114480. Disease mechanism: loss of function.
Ataxia-telangiectasia syndrome (AT). Also called: LOUIS-BAR SYNDROME; Cerebello-oculocutaneous telangiectasia; Immunodeficiency with ataxia telangiectasia; Ataxia-telangiectasia, complementation group D; AT, COMPLEMENTATION GROUP C; Ataxia-telangiectasia, complementation group E. Identifiers: Orphanet 100, MedGen C0004135, MONDO:0008840, OMIM 208900.

Allele frequency attached by ClinVar (database versions not stated): gnomAD exomes below 0.00001; TOPMed 0.00001; ExAC 0.00001; gnomAD 0.00001.
gnomAD v4.1: 3 of 1,614,092 alleles (0.00019%); highest among the groups gnomAD compares: African/African-American, 0.0013%; no homozygotes.

Submissions (9):

PreventionGenetics, part of Exact Sciences
Classification: Uncertain significance for ATM-related condition. Last evaluated: 2026-02-04. Review status: criteria provided, single submitter. Criteria: ACMG Guidelines, 2015. Collection method: clinical testing. Allele origin: germline.
Comment: The ATM c.6500A>G variant is predicted to result in the amino acid substitution p.Tyr2167Cys. This variant has been identified in a large study of individuals with familial cancer syndromes (Table S4, Bhai et al. 2021. PubMed ID: 34326862) and in other studies of individuals with hereditary breast and/or ovarian cancer (Supplemental Data, Lerner-Ellis et al. 2020. PubMed ID: 32885271; eTable4, Rezoug et al. 2024. PubMed ID: 39226054). It has also been reported as a germline variant in a study of individuals with chronic lymphocytic leukemia (Supplementary Table S6, Lampson et al. 2022. PubMed ID: 36315919). This variant is reported in 0.00088% of alleles in individuals of European (Non-Finnish) descent in gnomAD and is interpreted as a variant of uncertain significance in ClinVar (Variation ID:418968). At this time, the clinical significance of this variant is uncertain due to the absence of conclusive functional and genetic evidence.

Women's Health and Genetics/Laboratory Corporation of America, LabCorp
Classification: Uncertain significance. Last evaluated: 2024-12-02. Review status: criteria provided, single submitter. Criteria: LabCorp Variant Classification Summary - May 2015. Collection method: clinical testing. Allele origin: germline.
Comment: Variant summary: ATM c.6500A>G (p.Tyr2167Cys) results in a non-conservative amino acid change located in the PIK-related kinase, FAT domain (IPR003151) of the encoded protein sequence. Four of five in-silico tools predict a damaging effect of the variant on protein function. The variant allele was found at a frequency of 4e-06 in 251448 control chromosomes. The available data on variant occurrences in the general population are insufficient to allow any conclusion about variant significance. c.6500A>G has been reported in the literature in at least one individual affected with Breast Cancer without evidence for causality (e.g. Rezoug_2024). This report does not provide unequivocal conclusions about association of the variant with Breast Cancer. To our knowledge, no experimental evidence demonstrating an impact on protein function has been reported. The following publication has been ascertained in the context of this evaluation (PMID: 39226054). ClinVar contains an entry for this variant (Variation ID: 418968). Based on the evidence outlined above, the variant was classified as uncertain significance.

Color Diagnostics, LLC DBA Color Health
Classification: Uncertain significance for Hereditary cancer-predisposing syndrome. Last evaluated: 2024-08-12. Review status: criteria provided, single submitter. Criteria: ACMG Guidelines, 2015. Collection method: clinical testing. Allele origin: germline.
Comment: This missense variant replaces tyrosine with cysteine at codon 2167 of the ATM protein. Computational prediction suggests that this variant may not impact protein structure and function. To our knowledge, functional studies have not been reported for this variant. This variant has been reported in an individual affected with leiomyosarcoma and a family history indicative of hereditary breast and ovarian cancer (PMID: 32885271). This variant has been identified in 1/251448 chromosomes in the general population by the Genome Aggregation Database (gnomAD). The available evidence is insufficient to determine the role of this variant in disease conclusively. Therefore, this variant is classified as a Variant of Uncertain Significance.

Ambry Genetics
Classification: Uncertain significance for Hereditary cancer-predisposing syndrome. Last evaluated: 2024-05-02. Review status: criteria provided, single submitter. Criteria: Ambry Variant Classification Scheme 2023. Collection method: clinical testing. Allele origin: germline.
Comment: The p.Y2167C variant (also known as c.6500A>G), located in coding exon 44 of the ATM gene, results from an A to G substitution at nucleotide position 6500. The tyrosine at codon 2167 is replaced by cysteine, an amino acid with highly dissimilar properties. This variant was observed in 1/3251 individuals who met eligibility criteria for hereditary breast and ovarian cancer syndrome (Lerner-Ellis J et al. J Cancer Res Clin Oncol, 2021 Mar;147:871-879) and in 2/2870 individuals as part of a large Canadian cohort study (Bhai P et al. Front Genet, 2021 Jul;12:698595). This amino acid position is well conserved in available vertebrate species. In addition, the in silico prediction for this alteration is inconclusive. Based on the available evidence, the clinical significance of this variant remains unclear.

Labcorp Genetics (formerly Invitae), Labcorp
Classification: Uncertain significance for Ataxia-telangiectasia syndrome. Last evaluated: 2022-10-05. Review status: criteria provided, single submitter. Criteria: Invitae Variant Classification Sherloc (09022015). Collection method: clinical testing. Allele origin: germline.
Comment: This sequence change replaces tyrosine, which is neutral and polar, with cysteine, which is neutral and slightly polar, at codon 2167 of the ATM protein (p.Tyr2167Cys). This variant is present in population databases (rs768155385, gnomAD 0.0009%). This variant has not been reported in the literature in individuals affected with ATM-related conditions. ClinVar contains an entry for this variant (Variation ID: 418968). Algorithms developed to predict the effect of missense changes on protein structure and function (SIFT, PolyPhen-2, Align-GVGD) all suggest that this variant is likely to be tolerated. In summary, the available evidence is currently insufficient to determine the role of this variant in disease. Therefore, it has been classified as a Variant of Uncertain Significance.

GeneDx
Classification: Uncertain significance. Last evaluated: 2022-03-21. Review status: criteria provided, single submitter. Criteria: GeneDx Variant Classification Process June 2021. Collection method: clinical testing. Allele origin: germline. Affected: yes.
Comment: Not observed at a significant frequency in large population cohorts (gnomAD); In silico analysis supports that this missense variant has a deleterious effect on protein structure/function; Observed in an unaffected control, but not in any cases from a leukemia case-control study (Tiao 2017); This variant is associated with the following publications: (PMID: 23532176, 28652578)

Division of Medical Genetics, University of Washington
Classification: Uncertain significance for Familial cancer of breast. Last evaluated: 2019-12-16. Review status: criteria provided, single submitter. Criteria: ACMG Guidelines, 2015. Collection method: clinical testing. Allele origin: germline. Affected: no. Study: CSER_CHARM.
Comment: To our knowledge, this sequence variant has not been previously reported in the literature. This variant has an overall allele frequency of 0.000004 in the Broad Institute gnomAD Browser. In silico analyses indicate this is an evolutionarily conserved residue. Thus, it is unknown at this time whether this variant increases cancer risk. PM2; PP3

Natera, Inc.
Classification: Uncertain significance for Ataxia-telangiectasia. Last evaluated: 2021-03-16. Review status: no assertion criteria provided. Collection method: clinical testing. Allele origin: germline. Not counted in ClinVar's aggregate classification.

Department of Pathology and Laboratory Medicine, Sinai Health System
Classification: Uncertain significance. Review status: no assertion criteria provided. Collection method: clinical testing. Allele origin: unknown. Affected: yes. Study: The Canadian Open Genetics Repository (COGR). Not counted in ClinVar's aggregate classification.
Comment: The ATM p.Tyr2167Cys variant was not identified in the literature nor was it identified in the LOVD 3.0 database. The variant was identified in dbSNP (ID: rs768155385) as â€šÃ„ÃºWith Uncertain significance alleleâ€šÃ„Ã¹ and ClinVar (classified as uncertain significance by GeneDx, Invitae, Ambry Genetics and Color). The variant was identified in control databases in 1 of 246222 chromosomes at a frequency of 0.000004 (Genome Aggregation Database Feb 27, 2017), observed in the European Non-Finnish population in 1 of 111678 chromosomes (freq: 0.000009); it was not observed in the African, Other, Latino, Ashkenazi Jewish, East Asian, European Finnish, or South Asian populations. The p.Tyr2167 residue is conserved in mammals and computational analyses (PolyPhen-2, SIFT, AlignGVGD, BLOSUM, MutationTaster) provide inconsistent predictions regarding the impact of the Cys variant to the protein; this information is not very predictive of pathogenicity. The variant occurs outside of the splicing consensus sequence and in silico or computational prediction software programs (SpliceSiteFinder, MaxEntScan, NNSPLICE, GeneSplicer) do not predict a difference in splicing. In summary, based on the above information, the clinical significance of this variant cannot be determined with certainty at this time. This variant is classified as a variant of uncertain significance.

Literature cited by the submitters: PubMed 39226054 (cited by Women's Health and Genetics/Laboratory Corporation of America, LabCorp); PubMed 32885271 (cited by Color Diagnostics, LLC DBA Color Health and Ambry Genetics); PubMed 34326862 (cited by Ambry Genetics).

NM_000051.4(ATM):c.6500A>G (p.Tyr2167Cys)

Genes: ATM (ATM serine/threonine kinase; plus strand), C11orf65 (chromosome 11 open reading frame 65; minus strand). Cytogenetic location: 11q22.3.
Variant type: single nucleotide variant.
Coding change: c.6500A>G on transcript NM_000051.4 (MANE Select); coding-DNA position 6500, A replaced by G.
Protein change: p.Tyr2167Cys; replaces tyrosine 2167 with cysteine.
Molecular consequence: missense variant. On other transcripts: intron variant (2).
Genome position (GRCh38, 1-based): chr11:108,321,348, A>G. VCF-style: chr11-108321348-A-G. GRCh37 (hg19) VCF-style: chr11-108192075-A-G.
Other names: c.6500A>G, p.Tyr2167Cys (NM_001351834.2); c.641-12277T>C (NM_001330368.2); c.*39-12277T>C (NM_001351110.2); short protein forms Y2167C.
Identifiers: ClinVar variation 418968 (VCV000418968.39), dbSNP rs768155385, ClinGen allele CA6265959.